The following is an entry in ClinVar:

ClinVar aggregate classification (germline): Likely benign (1 of 4 stars; one submission).

Submission:

GeneDx
Classification: Likely benign. Last evaluated: 2016-02-12. Review status: criteria provided, single submitter. Criteria: GeneDx Variant Classification (06012015). Collection method: clinical testing. Allele origin: germline. Affected: yes.
Comment: This variant is considered likely benign or benign based on one or more of the following criteria: it is a conservative change, it occurs at a poorly conserved position in the protein, it is predicted to be benign by multiple in silico algorithms, and/or has population frequency not consistent with disease.

NM_000051.4(ATM):c.2346A>C (p.Leu782=)

Gene: ATM (ATM serine/threonine kinase; plus strand). Cytogenetic location: 11q22.3.
Variant type: single nucleotide variant.
Coding change: c.2346A>C on transcript NM_000051.4 (MANE Select); coding-DNA position 2346, A replaced by C.
Protein change: p.Leu782=; no amino-acid change (leucine 782 retained).
Molecular consequence: synonymous variant.
Genome position (GRCh38, 1-based): chr11:108,257,576, A>C. VCF-style: chr11-108257576-A-C. GRCh37 (hg19) VCF-style: chr11-108128303-A-C.
Other names: c.2346A>C, p.Leu782= (NM_001351834.2).
Identifiers: ClinVar variation 383896 (VCV000383896.1), dbSNP rs730881285, ClinGen allele CA16605774.
Genomic context (GRCh38, chr11:108,257,576, plus strand): 5'-GTTTAAAAATAAGACAAATGAGGAATTCAGAATTGGTTCCTTGAGAAATATGATGCAGCT[A>C]TGTACACGTTGCTTGAGCAACTGTACCAAGGTAAGATTTTCTTCTTCTTGTTTTGTTTTT-3'
Protein context (NP_000042.3, residues 772-792): RIGSLRNMMQ[Leu782=]CTRCLSNCTK